The following is an entry in ClinVar:

NM_203446.3(SYNJ1):c.3194C>T (p.Pro1065Leu)

Gene: SYNJ1 (synaptojanin 1; minus strand). Cytogenetic location: 21q22.11.
Variant type: single nucleotide variant.
Coding change: c.3194C>T on transcript NM_203446.3 (MANE Select); coding-DNA position 3194, C replaced by T.
Protein change: p.Pro1065Leu; replaces proline 1065 with leucine.
Molecular consequence: missense variant.
Genome position (GRCh38, 1-based): chr21:32,646,446, G>A on the plus strand (C>T on the coding strand, the complement: SYNJ1 is on the minus strand). VCF-style: chr21-32646446-G-A. GRCh37 (hg19) VCF-style: chr21-34018756-G-A.
Other names: c.3194C>T, p.Pro1065Leu (NM_001160302.2); c.3179C>T, p.Pro1060Leu (NM_001160306.2); c.3311C>T, p.Pro1104Leu (NM_003895.4); short protein forms P1060L, P1065L, P1104L.
Identifiers: ClinVar variation 3903381 (VCV003903381.1).

ClinVar aggregate classification (germline): Uncertain significance (1 of 4 stars; one submission).

gnomAD v4.1: 2 of 1,614,064 alleles (0.00012%); highest among the groups gnomAD compares: Admixed American, 0.0017%; no homozygotes.

Submission:

GeneDx
Classification: Uncertain significance. Last evaluated: 2024-12-10. Review status: criteria provided, single submitter. Criteria: GeneDx Variant Classification Process June 2021. Collection method: clinical testing. Allele origin: germline. Affected: yes.
Comment: Not observed at significant frequency in large population cohorts (gnomAD); In silico analysis supports that this missense variant has a deleterious effect on protein structure/function; Has not been previously published as pathogenic or benign to our knowledge